The following is an entry in ClinVar:

ClinVar aggregate classification (germline): Pathogenic (1 of 4 stars; one submission).

Conditions:
Peroxisome biogenesis disorder 3A (Zellweger). Also called: PEROXISOMAL BIOGENESIS DISORDER 3A (ZELLWEGER); Peroxisome biogenesis disorder 3A. Identifiers: Orphanet 912, MedGen C3553929, MONDO:0013927, OMIM 614859.

Submission:

Labcorp Genetics (formerly Invitae), Labcorp
Classification: Pathogenic for Peroxisome biogenesis disorder 3A (Zellweger). Last evaluated: 2023-08-10. Review status: criteria provided, single submitter. Criteria: Invitae Variant Classification Sherloc (09022015). Collection method: clinical testing. Allele origin: unknown.
Comment: This variant has not been reported in the literature in individuals affected with PEX12-related conditions. For these reasons, this variant has been classified as Pathogenic. A gross deletion of the genomic region encompassing the full coding sequence of the PEX12 gene has been identified. Loss-of-function variants in PEX12 are known to be pathogenic (PMID: 9090384, 9632816, 21031596). The boundaries of this event are unknown as they extend beyond the assayed region for this gene and therefore may encompass additional genes.

Literature cited by the submitters: PubMed 9090384; PubMed 9632816; PubMed 21031596.

NC_000017.10:g.(?_33445500)_(34079869_?)del

Genes: AP2B1 (adaptor related protein complex 2 subunit beta 1; plus strand), FNDC8 (fibronectin type III domain containing 8; plus strand), GAS2L2 (growth arrest specific 2 like 2; minus strand), NLE1 (notchless homolog 1; minus strand), PEX12 (peroxisomal biogenesis factor 12; minus strand) and 10 more. Cytogenetic location: 17q12.
Variant type: Deletion.
Identifiers: ClinVar variation 3243102 (VCV003243102.1).